The following is an entry in ClinVar:

ClinVar aggregate classification (germline): Uncertain significance (1 of 4 stars; one submission).

Conditions:
Hereditary spastic paraplegia 39 (SPG39). Also called: Spastic Paraplegia Type 39 (SPG39); SPASTIC PARAPLEGIA 39, AUTOSOMAL RECESSIVE. Identifiers: Orphanet 139480, MedGen C2677586, MONDO:0012787, OMIM 612020.

gnomAD v4.1: 4 of 1,025,154 alleles (0.00039%); highest among the groups gnomAD compares: South Asian, 0.0015%; no homozygotes.

Submission:

Labcorp Genetics (formerly Invitae), Labcorp
Classification: Uncertain significance for Hereditary spastic paraplegia 39. Last evaluated: 2024-05-20. Review status: criteria provided, single submitter. Criteria: Invitae Variant Classification Sherloc (09022015). Collection method: clinical testing. Allele origin: germline.
Comment: This sequence change falls in intron 26 of the PNPLA6 gene. It does not directly change the encoded amino acid sequence of the PNPLA6 protein. It affects a nucleotide within the consensus splice site. This variant is not present in population databases (gnomAD no frequency). This variant has not been reported in the literature in individuals affected with PNPLA6-related conditions. ClinVar contains an entry for this variant (Variation ID: 2160749). Variants that disrupt the consensus splice site are a relatively common cause of aberrant splicing (PMID: 17576681, 9536098). Algorithms developed to predict the effect of sequence changes on RNA splicing suggest that this variant may disrupt the consensus splice site. In summary, the available evidence is currently insufficient to determine the role of this variant in disease. Therefore, it has been classified as a Variant of Uncertain Significance.

Literature cited by the submitters: PubMed 17576681; PubMed 9536098.

NM_001166114.2(PNPLA6):c.2936+4A>G

Gene: PNPLA6 (patatin like domain 6, lysophospholipase; plus strand). Cytogenetic location: 19p13.2.
Variant type: single nucleotide variant.
Coding change: c.2936+4A>G on transcript NM_001166114.2 (MANE Select); 4 bases into the intron after coding-DNA position 2936, A replaced by G.
Molecular consequence: intron variant.
Genome position (GRCh38, 1-based): chr19:7,555,371, A>G. VCF-style: chr19-7555371-A-G. GRCh37 (hg19) VCF-style: chr19-7620257-A-G.
Other names: c.2822+4A>G (NM_006702.5, NM_001166113.1); c.2741+4A>G (NM_001166112.2); c.2966+4A>G (NM_001166111.2).
Identifiers: ClinVar variation 2160749 (VCV002160749.4), dbSNP rs1163436776, ClinGen allele CA2320976594.